The following is an entry in ClinVar:

ClinVar aggregate classification (germline): Likely benign. Review status: criteria provided, multiple submitters, no conflicts (2 of 4 stars). 2 submissions from 2 submitters: Likely benign (2). Last evaluated 2025-05-11.

Submissions (3):

Labcorp Genetics (formerly Invitae), Labcorp
Classification: Likely benign. Last evaluated: 2025-05-11. Review status: criteria provided, single submitter. Criteria: Invitae Variant Classification Sherloc (09022015). Collection method: clinical testing. Allele origin: germline.

GeneDx
Classification: Likely benign. Last evaluated: 2016-12-19. Review status: criteria provided, single submitter. Criteria: GeneDx Variant Classification (06012015). Collection method: clinical testing. Allele origin: germline. Affected: yes.
Comment: This variant is considered likely benign or benign based on one or more of the following criteria: it is a conservative change, it occurs at a poorly conserved position in the protein, it is predicted to be benign by multiple in silico algorithms, and/or has population frequency not consistent with disease.

Dr. Peter K. Rogan Lab, Western University
No classification provided (evidence only). Condition: Nonpapillary renal cell carcinoma. Review status: no classification provided. Collection method: in vitro. Allele origin: not applicable. Functional consequence: retained intron. Not counted in ClinVar's aggregate classification.

NM_001183.6(ATP6AP1):c.831G>T (p.Ala277=)

Gene: ATP6AP1 (ATPase H+ transporting accessory protein 1; plus strand). Cytogenetic location: Xq28.
Variant type: single nucleotide variant.
Coding change: c.831G>T on transcript NM_001183.6 (MANE Select); coding-DNA position 831, G replaced by T.
Protein change: p.Ala277=; no amino-acid change (alanine 277 retained).
Molecular consequence: synonymous variant.
Genome position (GRCh38, 1-based): chrX:154,434,354, G>T. VCF-style: chrX-154434354-G-T. GRCh37 (hg19) VCF-style: chrX-153662700-G-T.
Other names: NC_000023.10:g.153662700G>T.
Identifiers: ClinVar variation 391565 (VCV000391565.3), dbSNP rs143207881, ClinGen allele CA16609157.
Genomic context (GRCh38, chrX:154,434,354, plus strand): 5'-TGTGAGTTACAATGACACCGCTCCCCGGATCCTGTTCTGGGCCCAAAACTTCTCTGTGGC[G>T]TACAAGGACCAGTGGGAGGACCTGACTCCCCTCACCTTTGGGGTGCAGGAACTCAACCTG-3'
Protein context (NP_001174.2, residues 267-287): ILFWAQNFSV[Ala277=]YKDQWEDLTP